The following is an entry in ClinVar:

NM_024757.5(EHMT1):c.2506-2A>G

Gene: EHMT1 (euchromatic histone lysine methyltransferase 1; plus strand). Cytogenetic location: 9q34.3.
Variant type: single nucleotide variant.
Coding change: c.2506-2A>G on transcript NM_024757.5 (MANE Select); the canonical splice acceptor site of the intron before coding-DNA position 2506, A replaced by G.
Molecular consequence: splice acceptor variant.
Genome position (GRCh38, 1-based): chr9:137,798,811, A>G. VCF-style: chr9-137798811-A-G. GRCh37 (hg19) VCF-style: chr9-140693263-A-G.
Other names: c.2485-2A>G (NM_001354263.2).
Identifiers: ClinVar variation 504286 (VCV000504286.2), dbSNP rs1554888910, ClinGen allele CA375787902.

ClinVar aggregate classification (germline): Pathogenic (1 of 4 stars; one submission).

Submission:

GeneDx
Classification: Pathogenic. Last evaluated: 2018-02-07. Review status: criteria provided, single submitter. Criteria: GeneDx Variant Classification (06012015). Collection method: clinical testing. Allele origin: germline. Affected: yes.
Comment: The c.2506-2A>G variant in the EHMT1 gene has not been reported previously as a pathogenic variant nor as a benign variant, to our knowledge. This splice site variant destroys the canonical splice acceptor site in intron 16, which is predicted to cause abnormal gene splicing. The c.2506-2A>G variant is not observed in large population cohorts (Lek et al., 2016). We interpret c.2506-2A>G as a pathogenic variant.